The following is an entry in ClinVar:

NM_015176.4(FBXO28):c.289G>A (p.Val97Ile)

Gene: FBXO28 (F-box protein 28; plus strand). Cytogenetic location: 1q42.11.
Variant type: single nucleotide variant.
Coding change: c.289G>A on transcript NM_015176.4 (MANE Select); coding-DNA position 289, G replaced by A.
Protein change: p.Val97Ile; replaces valine 97 with isoleucine.
Molecular consequence: missense variant. On other transcripts: non-coding transcript variant (1).
Genome position (GRCh38, 1-based): chr1:224,130,493, G>A. VCF-style: chr1-224130493-G-A. GRCh37 (hg19) VCF-style: chr1-224318195-G-A.
Other names: c.289G>A, p.Val97Ile (NM_001136115.3); short protein forms V97I.
Identifiers: ClinVar variation 4871291 (VCV004871291.1).

ClinVar aggregate classification (germline): Uncertain significance (1 of 4 stars; one submission).

Conditions:
Inborn genetic diseases. Identifiers: MedGen C0950123, MeSH D030342.

gnomAD v4.1: 3 of 1,613,428 alleles (0.00019%); highest among the groups gnomAD compares: African/African-American, 0.004%; no homozygotes.

Submission:

Ambry Genetics
Classification: Uncertain significance for Inborn genetic diseases. Last evaluated: 2026-04-15. Review status: criteria provided, single submitter. Criteria: Ambry Variant Classification Scheme 2023. Collection method: clinical testing. Allele origin: germline.
Comment: The c.289G>A (p.V97I) alteration is located in exon 2 (coding exon 2) of the FBXO28 gene. This alteration results from a G to A substitution at nucleotide position 289, causing the valine (V) at amino acid position 97 to be replaced by an isoleucine (I). Based on data from gnomAD, the A allele has an overall frequency of <0.001% (1/251332) total alleles studied. The highest observed frequency was 0.006% (1/16254) of African alleles. Based on insufficient or conflicting evidence, the clinical significance of this alteration remains unclear.